The following is an entry in ClinVar:

NM_019066.5(MAGEL2):c.46G>A (p.Glu16Lys)

Gene: MAGEL2 (MAGE family member L2; minus strand). Cytogenetic location: 15q11.2.
Variant type: single nucleotide variant.
Coding change: c.46G>A on transcript NM_019066.5 (MANE Select); coding-DNA position 46, G replaced by A.
Protein change: p.Glu16Lys; replaces glutamic acid 16 with lysine.
Molecular consequence: missense variant.
Genome position (GRCh38, 1-based): chr15:23,647,697, C>T on the plus strand (G>A on the coding strand, the complement: MAGEL2 is on the minus strand). VCF-style: chr15-23647697-C-T. GRCh37 (hg19) VCF-style: chr15-23892844-C-T.
Other names: short protein forms E16K.
Identifiers: ClinVar variation 2797740 (VCV002797740.3), dbSNP rs1225113166, ClinGen allele CA391338030.
Genomic context (GRCh38, chr15:23,647,697, plus strand): 5'-AAGCGGGCGGGGCCCGCATCAGAACCGTAGGGCGGCTATAGACAGGCGGCTTCGGGGCCT[C>T]CGCCGGAGGACTCGAGTCACCCAGATTCTTACTTAGCTGCGACATGTCCCTTTGCTGACA-3'
Protein context (NP_061939.3, residues 6-26): KNLGDSSPPA[Glu16Lys]APKPPVYSRP

ClinVar aggregate classification (germline): Uncertain significance (1 of 4 stars; one submission).

Allele frequency attached by ClinVar (database versions not stated): gnomAD exomes below 0.00001; TOPMed below 0.00001; gnomAD 0.00001.
gnomAD v4.1: 3 of 1,490,876 alleles (0.0002%); highest among the groups gnomAD compares: African/African-American, 0.0014%; no homozygotes.

Submission:

Labcorp Genetics (formerly Invitae), Labcorp
Classification: Uncertain significance. Last evaluated: 2024-01-03. Review status: criteria provided, single submitter. Criteria: Invitae Variant Classification Sherloc (09022015). Collection method: clinical testing. Allele origin: germline.
Comment: This sequence change replaces glutamic acid, which is acidic and polar, with lysine, which is basic and polar, at codon 16 of the MAGEL2 protein (p.Glu16Lys). This variant is present in population databases (no rsID available, gnomAD 0.01%). This variant has not been reported in the literature in individuals affected with MAGEL2-related conditions. Experimental studies and prediction algorithms are not available or were not evaluated, and the functional significance of this variant is currently unknown. In summary, the available evidence is currently insufficient to determine the role of this variant in disease. Therefore, it has been classified as a Variant of Uncertain Significance.